The following is an entry in ClinVar:

NM_005061.3(RPL3L):c.778G>C (p.Ala260Pro)

Gene: RPL3L (ribosomal protein L3 like; minus strand). Cytogenetic location: 16p13.3.
Variant type: single nucleotide variant.
Coding change: c.778G>C on transcript NM_005061.3 (MANE Select); coding-DNA position 778, G replaced by C.
Protein change: p.Ala260Pro; replaces alanine 260 with proline.
Molecular consequence: missense variant.
Genome position (GRCh38, 1-based): chr16:1,947,009, C>G on the plus strand (G>C on the coding strand, the complement: RPL3L is on the minus strand). VCF-style: chr16-1947009-C-G. GRCh37 (hg19) VCF-style: chr16-1997010-C-G.
Other names: c.778G>C (NM_005061.2); short protein forms A260P.
Identifiers: ClinVar variation 3026160 (VCV003026160.22), dbSNP rs140373999, ClinGen allele CA7822751.

ClinVar aggregate classification (germline): Uncertain significance. Review status: criteria provided, multiple submitters, no conflicts (2 of 4 stars). 2 submissions from 2 submitters: Uncertain significance (2). Last evaluated 2025-05-17.

Allele frequency attached by ClinVar (database versions not stated): 1000 Genomes Project 30x 0.00016; 1000 Genomes Project 0.00020.
gnomAD v4.1: 56 of 1,612,060 alleles (0.0035%); highest among the groups gnomAD compares: African/African-American, 0.067%; no homozygotes.

Submissions (2):

Ambry Genetics
Classification: Uncertain significance. Last evaluated: 2025-05-17. Review status: criteria provided, single submitter. Criteria: Ambry Variant Classification Scheme 2023. Collection method: clinical testing. Allele origin: germline.

CeGaT Center for Human Genetics Tuebingen
Classification: Uncertain significance. Last evaluated: 2023-12-01. Review status: criteria provided, single submitter. Criteria: CeGaT Center For Human Genetics Tuebingen Variant Classification Criteria Version 2. Collection method: clinical testing. Allele origin: germline. Affected: yes. Observed: 1 variant allele.
Comment: RPL3L: PM2